The following is an entry in ClinVar:

ClinVar aggregate classification (germline): Uncertain significance. Review status: criteria provided, multiple submitters, no conflicts (2 of 4 stars). 7 submissions from 7 submitters: Uncertain significance (7). Last evaluated 2025-11-25.

Conditions:
Catecholaminergic polymorphic ventricular tachycardia 1. Also called: RYR2-Related Catecholaminergic Polymorphic Ventricular Tachycardia; VENTRICULAR TACHYCARDIA, CATECHOLAMINERGIC POLYMORPHIC, 1, WITH OR WITHOUT ATRIAL DYSFUNCTION AND/OR DILATED CARDIOMYOPATHY; VENTRICULAR TACHYCARDIA, STRESS-INDUCED POLYMORPHIC 1. Identifiers: Orphanet 3286, MedGen C1631597, MONDO:0011484, OMIM 604772.
Arrhythmogenic right ventricular dysplasia 2. Identifiers: MedGen C1832931.
Ventricular arrhythmias due to cardiac ryanodine receptor calcium release deficiency syndrome. Also called: Autosomal dominant cardiac arrhythmia (Kuhn). Identifiers: MedGen C5542154, MONDO:0020745, OMIM 115000.
Cardiovascular phenotype. Identifiers: MedGen CN230736.
Cardiomyopathy (CMYO). Also called: Cardiomyopathies. Identifiers: Orphanet 167848, MedGen C0878544, MONDO:0004994, HP:0001638. Inheritance: Various modes of inheritance.
Catecholaminergic polymorphic ventricular tachycardia (CVPT). Also called: Catecholamine-induced polymorphic ventricular tachycardia. Identifiers: Orphanet 3286, MedGen C5574922, MONDO:0017990.

Allele frequency attached by ClinVar (database versions not stated): gnomAD exomes 0.00002 and 0.00005; TOPMed 0.00004; gnomAD 0.00006 and 0.00007; ExAC 0.00010; ESP Exome Variant Server 0.00016.
gnomAD v4.1: 43 of 1,591,684 alleles (0.0027%); highest among the groups gnomAD compares: Admixed American, 0.021%; no homozygotes.

Submissions (7):

Labcorp Genetics (formerly Invitae), Labcorp
Classification: Uncertain significance for Catecholaminergic polymorphic ventricular tachycardia 1. Last evaluated: 2025-11-25. Review status: criteria provided, single submitter. Criteria: Invitae Variant Classification Sherloc (09022015). Collection method: clinical testing. Allele origin: germline.
Comment: This sequence change replaces alanine, which is neutral and non-polar, with threonine, which is neutral and polar, at codon 26 of the RYR2 protein (p.Ala26Thr). The frequency data for this variant in the population databases is considered unreliable, as metrics indicate poor data quality at this position in the gnomAD database. This variant has not been reported in the literature in individuals affected with RYR2-related conditions. ClinVar contains an entry for this variant (Variation ID: 571526). Invitae Evidence Modeling of protein sequence and biophysical properties (such as structural, functional, and spatial information, amino acid conservation, physicochemical variation, residue mobility, and thermodynamic stability) has been performed for this missense variant. However, the output from this modeling did not meet the statistical confidence thresholds required to predict the impact of this variant on RYR2 protein function. In summary, the available evidence is currently insufficient to determine the role of this variant in disease. Therefore, it has been classified as a Variant of Uncertain Significance.

Women's Health and Genetics/Laboratory Corporation of America, LabCorp
Classification: Uncertain significance. Last evaluated: 2025-09-22. Review status: criteria provided, single submitter. Criteria: LabCorp Variant Classification Summary - May 2015. Collection method: clinical testing. Allele origin: germline.
Comment: Variant summary: RYR2 c.76G>A (p.Ala26Thr) results in a non-conservative amino acid change in the encoded protein sequence. Algorithms developed to predict the effect of missense changes on protein structure and function all suggest that this variant is likely to be disruptive. The variant allele was found at a frequency of 4.6e-05 in 216742 control chromosomes. This frequency is not significantly higher than estimated for disease-causing variants in RYR2, allowing no conclusion about variant significance. To our knowledge, no occurrence of c.76G>A in individuals affected with RYR2-related conditions and no experimental evidence demonstrating its impact on protein function have been reported. ClinVar contains an entry for this variant (Variation ID: 571526). Based on the evidence outlined above, the variant was classified as uncertain significance.

Ambry Genetics
Classification: Uncertain significance for Cardiovascular phenotype. Last evaluated: 2025-08-25. Review status: criteria provided, single submitter. Criteria: Ambry Variant Classification Scheme 2023. Collection method: clinical testing. Allele origin: germline.
Comment: The p.A26T variant (also known as c.76G>A), located in coding exon 2 of the RYR2 gene, results from a G to A substitution at nucleotide position 76. The alanine at codon 26 is replaced by threonine, an amino acid with similar properties. This amino acid position is highly conserved in available vertebrate species. In addition, the in silico prediction for this alteration is inconclusive. Based on the available evidence, the clinical significance of this variant remains unclear.

GeneDx
Classification: Uncertain significance. Last evaluated: 2025-05-27. Review status: criteria provided, single submitter. Criteria: GeneDx Variant Classification Process June 2021. Collection method: clinical testing. Allele origin: germline. Affected: yes.
Comment: Has not been previously published as pathogenic or benign to our knowledge; Not located in one of the three hot-spot regions of the RYR2 gene, where the majority of pathogenic missense variants occur (PMID: 19926015); In silico analysis suggests that this missense variant does not alter protein structure/function; This variant is associated with the following publications: (PMID: 19926015)

Color Diagnostics, LLC DBA Color Health
Classification: Uncertain significance for Cardiomyopathy. Last evaluated: 2024-11-05. Review status: criteria provided, single submitter. Criteria: ACMG Guidelines, 2015. Collection method: clinical testing. Allele origin: germline.
Comment: This missense variant replaces alanine with threonine at codon 26 of the RYR2 protein. Computational prediction suggests that this variant may have deleterious impact on protein structure and function. To our knowledge, functional studies have not been reported for this variant. This variant has not been reported in individuals affected with RYR2-related disorders in the literature. This variant has been identified in 11/248138 chromosomes in the general population by the Genome Aggregation Database (gnomAD). The available evidence is insufficient to determine the role of this variant in disease conclusively. Therefore, this variant is classified as a Variant of Uncertain Significance.

All of Us Research Program, National Institutes of Health
Classification: Uncertain significance for Catecholaminergic polymorphic ventricular tachycardia. Last evaluated: 2024-07-23. Review status: criteria provided, single submitter. Criteria: ACMG Guidelines, 2015. Collection method: clinical testing. Allele origin: germline. Inheritance: Autosomal dominant inheritance. Observed: 11 variant alleles, 11 heterozygotes.
Comment: This missense variant replaces alanine with threonine at codon 26 of the RYR2 protein. Computational prediction suggests that this variant may have deleterious impact on protein structure and function (internally defined REVEL score threshold >= 0.7, PMID: 27666373). To our knowledge, functional studies have not been reported for this variant. This variant has not been reported in individuals affected with RYR2-related disorders in the literature. This variant has been identified in 11/248138 chromosomes in the general population by the Genome Aggregation Database (gnomAD). The available evidence is insufficient to determine the role of this variant in disease conclusively. Therefore, this variant is classified as a Variant of Uncertain Significance.

This study involves interpretation of variants in research participants for the purpose of population health screening. Participant phenotype was not available at the time of variant classification. Additional details can be found in publication PMID: 35346344, PMCID: PMC8962531

Fulgent Genetics
Classification: Uncertain significance for Ventricular arrhythmias due to cardiac ryanodine receptor calcium release deficiency syndrome; Catecholaminergic polymorphic ventricular tachycardia 1. Last evaluated: 2021-10-25. Review status: criteria provided, single submitter. Criteria: ACMG Guidelines, 2015. Collection method: clinical testing. Allele origin: unknown.

NM_001035.3(RYR2):c.76G>A (p.Ala26Thr)

Gene: RYR2 (ryanodine receptor 2; plus strand). Cytogenetic location: 1q43.
Variant type: single nucleotide variant.
Coding change: c.76G>A on transcript NM_001035.3 (MANE Select); coding-DNA position 76, G replaced by A.
Protein change: p.Ala26Thr; replaces alanine 26 with threonine.
Molecular consequence: missense variant.
Genome position (GRCh38, 1-based): chr1:237,270,524, G>A. VCF-style: chr1-237270524-G-A. GRCh37 (hg19) VCF-style: chr1-237433824-G-A.
Other names: c.76G>A, p.Ala26Thr (LRG_402t1); short protein forms A26T.
Identifiers: ClinVar variation 571526 (VCV000571526.23), dbSNP rs368974917, ClinGen allele CA087454.
Genomic context (GRCh38, chr1:237,270,524, plus strand): 5'-CTTATTTTTCCCTCTCTTTCTCCCCCTTTGCAGGATGATGAAGTGGTTCTGCAGTGCACC[G>A]CAACCATCCACAAAGAACAACAGAAGCTATGCTTGGCAGCAGAAGGATTTGGCAACAGAC-3'
Protein context (NP_001026.2, residues 16-36): TDDEVVLQCT[Ala26Thr]TIHKEQQKLC